The following is an entry in ClinVar:

NM_014975.3(MAST1):c.4679_4681del (p.Lys1560_Gly1561delinsArg)

Gene: MAST1 (microtubule associated serine/threonine kinase 1; plus strand). Cytogenetic location: 19p13.13.
Variant type: Deletion.
Coding change: c.4679_4681del on transcript NM_014975.3 (MANE Select); coding-DNA positions 4679 to 4681, 3 bases deleted (AAG; older notation c.4679_4681delAAG).
Protein change: p.Lys1560_Gly1561delinsArg.
Molecular consequence: inframe indel.
Genome position (GRCh38, 1-based): chr19:12,874,836-12,874,838, AAG deleted. VCF-style (leftmost placement, unchanged base first): chr19-12874835-AAAG-A. GRCh37 (hg19) VCF-style: chr19-12985649-AAAG-A.
Identifiers: ClinVar variation 2028086 (VCV002028086.4), dbSNP rs2512546339, ClinGen allele CA2580096499.
Genomic context (GRCh38, chr19:12,874,835, plus strand): 5'-CAAGTGGGGCTGACCTCCCGGTGCCCTGCTGAAGCTGTGCCCCCAGCAGGCCTGACCAAA[AAAG>A]GAGTGTCCAGTCCCGCACCCCCGGGACCATAGCCAAGGGGGTCATCGGCCCCGCGCTGTA-3'

ClinVar aggregate classification (germline): Uncertain significance (1 of 4 stars; one submission).

Allele frequency attached by ClinVar (database versions not stated): gnomAD exomes 0.00001.

Submission:

Labcorp Genetics (formerly Invitae), Labcorp
Classification: Uncertain significance. Last evaluated: 2022-08-31. Review status: criteria provided, single submitter. Criteria: Invitae Variant Classification Sherloc (09022015). Collection method: clinical testing. Allele origin: germline.
Comment: This variant, c.4679_4681del, is a complex sequence change that results in the deletion of 2 and insertion of 1 amino acid(s) in the MAST1 protein (p.Lys1560_Gly1561delinsArg). This variant is not present in population databases (gnomAD no frequency). In summary, the available evidence is currently insufficient to determine the role of this variant in disease. Therefore, it has been classified as a Variant of Uncertain Significance. Experimental studies and prediction algorithms are not available or were not evaluated, and the functional significance of this variant is currently unknown. This variant has not been reported in the literature in individuals affected with MAST1-related conditions.